The following is an entry in ClinVar:

ClinVar aggregate classification (germline): Uncertain significance (1 of 4 stars; one submission).

Conditions:
Genitopatellar syndrome (GTPTS). Also called: ABSENT PATELLAE, SCROTAL HYPOPLASIA, RENAL ANOMALIES, FACIAL DYSMORPHISM, AND MENTAL RETARDATION; Genitopatellar syndrome (GPS). Identifiers: Orphanet 85201, MedGen C1853566, MONDO:0011640, OMIM 606170.

Allele frequency attached by ClinVar (database versions not stated): gnomAD exomes below 0.00001; ExAC 0.00001.

Submission:

Labcorp Genetics (formerly Invitae), Labcorp
Classification: Uncertain significance for Genitopatellar syndrome. Last evaluated: 2023-05-11. Review status: criteria provided, single submitter. Criteria: Invitae Variant Classification Sherloc (09022015). Collection method: clinical testing. Allele origin: germline.
Comment: This sequence change replaces proline, which is neutral and non-polar, with serine, which is neutral and polar, at codon 1111 of the KAT6B protein (p.Pro1111Ser). This variant is present in population databases (rs765279291, gnomAD 0.006%). This variant has not been reported in the literature in individuals affected with KAT6B-related conditions. Advanced modeling of protein sequence and biophysical properties (such as structural, functional, and spatial information, amino acid conservation, physicochemical variation, residue mobility, and thermodynamic stability) has been performed at Invitae for this missense variant, however the output from this modeling did not meet the statistical confidence thresholds required to predict the impact of this variant on KAT6B protein function. In summary, the available evidence is currently insufficient to determine the role of this variant in disease. Therefore, it has been classified as a Variant of Uncertain Significance.

NM_012330.4(KAT6B):c.3331C>T (p.Pro1111Ser)

Gene: KAT6B (lysine acetyltransferase 6B; plus strand). Cytogenetic location: 10q22.2.
Variant type: single nucleotide variant.
Coding change: c.3331C>T on transcript NM_012330.4 (MANE Select); coding-DNA position 3331, C replaced by T.
Protein change: p.Pro1111Ser; replaces proline 1111 with serine.
Molecular consequence: missense variant.
Genome position (GRCh38, 1-based): chr10:75,022,190, C>T. VCF-style: chr10-75022190-C-T. GRCh37 (hg19) VCF-style: chr10-76781948-C-T.
Other names: c.2782C>T, p.Pro928Ser (NM_001256468.2, NM_001370138.1); c.2455C>T, p.Pro819Ser (NM_001256469.2, NM_001370139.1, NM_001370140.1 and 2 more transcripts); c.2293C>T, p.Pro765Ser (NM_001370132.1); c.1642C>T, p.Pro548Ser (NM_001370133.1); c.1246C>T, p.Pro416Ser (NM_001370134.1); c.988C>T, p.Pro330Ser (NM_001370135.1); c.3331C>T, p.Pro1111Ser (NM_001370136.1, NM_001370137.1); c.2266C>T, p.Pro756Ser (NM_001370143.1, NM_001370144.1); short protein forms P756S, P548S, P928S, P330S, P416S, P765S, P1111S, P819S.
Identifiers: ClinVar variation 2963932 (VCV002963932.3), dbSNP rs765279291, ClinGen allele CA5564798.